The following is an entry in ClinVar:

NM_001042492.3(NF1):c.8495G>A (p.Arg2832His)

Gene: NF1 (neurofibromin 1; plus strand). Cytogenetic location: 17q11.2.
Variant type: single nucleotide variant.
Coding change: c.8495G>A on transcript NM_001042492.3 (MANE Select); coding-DNA position 8495, G replaced by A.
Protein change: p.Arg2832His; replaces arginine 2832 with histidine.
Molecular consequence: missense variant.
Genome position (GRCh38, 1-based): chr17:31,374,130, G>A. VCF-style: chr17-31374130-G-A. GRCh37 (hg19) VCF-style: chr17-29701148-G-A.
Other names: c.8432G>A, p.Arg2811His (NM_000267.4); short protein forms R2811H, R2832H.
Identifiers: ClinVar variation 141139 (VCV000141139.25), dbSNP rs587781523, ClinGen allele CA164570.

ClinVar aggregate classification (germline): Conflicting classifications of pathogenicity. Review status: criteria provided, conflicting classifications (1 of 4 stars). 7 submissions from 6 submitters: Uncertain significance (6); Likely benign (1). Last evaluated 2025-10-30.

Conditions:
Hereditary cancer-predisposing syndrome. Also called: Tumor predisposition; Hereditary neoplastic syndrome; Hereditary Cancer Syndrome; Neoplastic Syndromes, Hereditary. Identifiers: Orphanet 140162, MedGen C0027672, MeSH D009386, MONDO:0015356.
Cardiovascular phenotype. Identifiers: MedGen CN230736.
Neurofibromatosis-Noonan syndrome (NFNS). Also called: NEUROFIBROMATOSIS WITH NOONAN PHENOTYPE. Identifiers: Orphanet 638, MedGen C2931482, MONDO:0011035, OMIM 601321. Disease mechanism: loss of function.
Neurofibromatosis, type 1 (NF1). Also called: NEUROFIBROMATOSIS, TYPE I, SOMATIC; VON RECKLINGHAUSEN DISEASE; Neurofibromatosis, type I; Peripheral type neurofibromatosis. Identifiers: Orphanet 636, MedGen C0027831, MONDO:0018975, OMIM 162200. Disease mechanism: loss of function.

Allele frequency attached by ClinVar (database versions not stated): ExAC 0.00001; gnomAD 0.00001; gnomAD exomes 0.00001; TOPMed 0.00001.
gnomAD v4.1: 19 of 1,613,946 alleles (0.0012%); highest among the groups gnomAD compares: South Asian, 0.0033%; no homozygotes.

Submissions (7):

Clinical Genomics Laboratory, Washington University in St. Louis
Classification: Uncertain significance for Neurofibromatosis-Noonan syndrome. Last evaluated: 2025-10-30. Review status: criteria provided, single submitter. Criteria: ACMG Guidelines, 2015. Collection method: clinical testing. Allele origin: germline.
Comment: The NF1 c.8495G>A (p.Arg2832His) variant has been reported in one individual with epithelioid mesothelioma (Huang KL et al., PMID: 29625052). This variant is only observed in 3/251,300 alleles in the general population (gnomAD v2.1.1), indicating it is not a common variant. Computational predictors are uncertain as to the impact of this variant on NF1 function. This variant has been reported in the ClinVar database as a germline variant of uncertain significance by five submitters and likely benign by one submitter. Due to limited information, and based on ACMG/AMP guidelines for variant interpretation (Richards S et al., PMID: 25741868), the clinical significance of this variant is uncertain at this time.

Labcorp Genetics (formerly Invitae), Labcorp
Classification: Likely benign for Neurofibromatosis, type 1. Last evaluated: 2025-10-09. Review status: criteria provided, single submitter. Criteria: Invitae Variant Classification Sherloc (09022015). Collection method: clinical testing. Allele origin: germline.

CeGaT Center for Human Genetics Tuebingen
Classification: Uncertain significance. Last evaluated: 2025-05-01. Review status: criteria provided, single submitter. Criteria: CeGaT Center For Human Genetics Tuebingen Variant Classification Criteria Version 2. Collection method: clinical testing. Allele origin: germline. Affected: yes. Observed: 1 variant allele.

Genome-Nilou Lab
Classification: Uncertain significance for Neurofibromatosis, type 1. Last evaluated: 2022-03-15. Review status: criteria provided, single submitter. Criteria: ACMG Guidelines, 2015. Collection method: clinical testing. Allele origin: germline. Affected: no.

Sema4
Classification: Uncertain significance for Hereditary cancer-predisposing syndrome. Last evaluated: 2021-11-18. Review status: criteria provided, single submitter. Criteria: Sema4 Curation Guidelines. Collection method: curation. Allele origin: germline.
Comment: The NF1 c.8432G>A (p.R2811H) variant has been reported in 1 individual with epithelioid mesothelioma (PMID 29625052). It has also been reported in 1 breast cancer case in a large dataset of 60,466 women with breast cancer but not in 53,461 controls (PMID 33471991). This variant was observed in 3/113624 chromosomes in the Non-Finnish European population according to the Genome Aggregation Database (PMID: 32461654). This variant has been reported in ClinVar (Variation ID 141139). Functional studies have not been performed, and in silico predictions of the variant's effect on protein function are inconclusive. The overall evidence is insufficient to meet ACMG/AMP criteria for classifying it as benign or pathogenic. In summary, the clinical significance of this variant is currently uncertain.

Ambry Genetics
Classification: Uncertain significance for Cardiovascular phenotype; Hereditary cancer-predisposing syndrome. Last evaluated: 2021-08-30. Review status: criteria provided, single submitter. Criteria: Ambry Variant Classification Scheme 2023. Collection method: clinical testing. Allele origin: germline.

Ambry Genetics
Classification: Uncertain significance for Hereditary cancer-predisposing syndrome. Last evaluated: 2015-02-06. Review status: criteria provided, single submitter. Criteria: Ambry Autosomal Dominant and X-Linked criteria (10/2015). Collection method: clinical testing. Allele origin: germline. Observed: 1 variant allele.
Comment: The p.R2832H variant (also known as c.8495G>A), located in coding exon 58 of the NF1 gene, results from a G to A substitution at nucleotide position 8495. The arginine at codon 2832 is replaced by histidine, an amino acid with some highly similar properties. This variant was not reported in population based cohorts in the following databases: Database of Single Nucleotide Polymorphisms (dbSNP), NHLBI Exome Sequencing Project (ESP), and 1000 Genomes Project.To date, this alteration has been detected with an allele frequency of approximately 0.007% (greater than 30000alleles tested) in our clinical cohort (includes this individual). Based on protein sequence alignment, thisamino acid position is highly conserved in available vertebrate species. In addition, this alteration is predicted to be tolerated by in silico analysis.Since supporting evidence is limited at this time, the clinical significance ofp.R2832Hremains unclear.

Literature cited by the submitters: PubMed 29625052 (cited by Sema4); PubMed 33471991 (cited by Sema4).